The following is an entry in ClinVar:

ClinVar aggregate classification (germline): Conflicting classifications of pathogenicity. Review status: criteria provided, conflicting classifications (1 of 4 stars). 7 submissions from 7 submitters: Uncertain significance (1); Benign (3). 3 of the submissions do not count toward it. Last evaluated 2026-01-14.

Conditions:
Autosomal dominant wooly hair. Also called: Autosomal dominant woolly hair. Identifiers: Orphanet 170, MedGen C1860238, MONDO:0020717, OMIM 194300.
Hypotrichosis 3 (HYPT3). Also called: HYPOTRICHOSIS SIMPLEX OF THE SCALP 2. Identifiers: Orphanet 90368, MedGen C3151432, MONDO:0013514, OMIM 613981.
Ectodermal dysplasia 7, hair/nail type (ECTD7). Identifiers: Orphanet 69084, MedGen C3554117, MONDO:0013975, OMIM 614929.
KRT74-related disorder. Also called: KRT74-related condition.
Ectodermal dysplasia 4, hair/nail type (ECTD4). Identifiers: Orphanet 69084, MedGen C4024880, MONDO:0011177, OMIM 602032.

Allele frequency attached by ClinVar (database versions not stated): gnomAD 0.00009 and 0.00281; ESP Exome Variant Server 0.00015; TOPMed 0.00050; gnomAD exomes 0.00490 and 0.01016; ExAC 0.01157; 1000 Genomes Project 30x 0.01655; 1000 Genomes Project 0.01757.
gnomAD v4.1: 7,586 of 1,611,700 alleles (0.47%); highest among the groups gnomAD compares: South Asian, 7.8%; 379 homozygotes.

Submissions (7):

Labcorp Genetics (formerly Invitae), Labcorp
Classification: Benign. Last evaluated: 2026-01-14. Review status: criteria provided, single submitter. Criteria: Invitae Variant Classification Sherloc (09022015). Collection method: clinical testing. Allele origin: germline.

Department of Pathology and Laboratory Medicine, Sinai Health System
Classification: Uncertain significance for Autosomal dominant wooly hair; Hypotrichosis 3; Ectodermal dysplasia 7, hair/nail type. Last evaluated: 2023-07-26. Review status: criteria provided, single submitter. Criteria: ACMG Guidelines, 2015. Collection method: research. Allele origin: germline.

Center for Pediatric Genomic Medicine, Children's Mercy Hospital and Clinics
Classification: Benign. Last evaluated: 2016-12-06. Review status: criteria provided, single submitter. Criteria: ACMG Guidelines, 2015. Collection method: clinical testing. Allele origin: germline.

Breakthrough Genomics
Classification: Benign. Review status: criteria provided, single submitter. Criteria: ACMG Guidelines, 2015. Collection method: not provided. Allele origin: germline. Inheritance: Autosomal recessive inheritance. Affected: yes.

PreventionGenetics, part of Exact Sciences
Classification: Likely benign for KRT74-related condition. Last evaluated: 2020-02-24. Review status: no assertion criteria provided. Collection method: clinical testing. Allele origin: germline. Not counted in ClinVar's aggregate classification.
Comment: This variant is classified as likely benign based on ACMG/AMP sequence variant interpretation guidelines (Richards et al. 2015 PMID: 25741868, with internal and published modifications).

OMIM
Classification: Pathogenic for ECTODERMAL DYSPLASIA 7, HAIR/NAIL TYPE (1 family). Last evaluated: 2014-01-01. Review status: no assertion criteria provided. Collection method: literature only. Allele origin: germline. Not counted in ClinVar's aggregate classification.

Department of Immunology, Genetics and Pathology,  Uppsala University
Classification: Pathogenic for Ectodermal dysplasia, 'pure' hair-nail type. Review status: no assertion criteria provided. Collection method: not provided. Allele origin: unknown. Not counted in ClinVar's aggregate classification.
Comment: dbSNP rs147962513
ClinVar note: Converted during submission from pathogenic to Pathogenic.

Literature cited by the submitters: PubMed 20409997 (cited by OMIM); PubMed 24714551 (cited by OMIM).

NM_175053.4(KRT74):c.821T>C (p.Phe274Ser)

Gene: KRT74 (keratin 74; minus strand). Cytogenetic location: 12q13.13.
Variant type: single nucleotide variant.
Coding change: c.821T>C on transcript NM_175053.4 (MANE Select); coding-DNA position 821, T replaced by C.
Protein change: p.Phe274Ser; replaces phenylalanine 274 with serine.
Molecular consequence: missense variant.
Genome position (GRCh38, 1-based): chr12:52,571,381, A>G on the plus strand (T>C on the coding strand, the complement: KRT74 is on the minus strand). VCF-style: chr12-52571381-A-G. GRCh37 (hg19) VCF-style: chr12-52965165-A-G.
Other names: KRT74, PHE274SER (rs147962513); short protein forms F274S.
Identifiers: ClinVar variation 96741 (VCV000096741.12), dbSNP rs147962513, ClinGen allele CA163278.